The following is an entry in ClinVar:

ClinVar aggregate classification (germline): Uncertain significance (1 of 4 stars; one submission).

Conditions:
Hereditary cancer-predisposing syndrome. Also called: Neoplastic Syndromes, Hereditary; Tumor predisposition; Hereditary neoplastic syndrome; Hereditary Cancer Syndrome. Identifiers: Orphanet 140162, MedGen C0027672, MeSH D009386, MONDO:0015356.

Submission:

Ambry Genetics
Classification: Uncertain significance for Hereditary cancer-predisposing syndrome. Last evaluated: 2019-09-12. Review status: criteria provided, single submitter. Criteria: Ambry Variant Classification Scheme 2023. Collection method: clinical testing. Allele origin: germline.
Comment: The c.5153_5155delCAG variant (also known as p.A1718del) is located in coding exon 15 of the APC gene. This variant results from an in-frame CAG deletion at nucleotide positions 5153 to 5155. This results in the in-frame deletion of an alanine at codon 1718. This amino acid position is poorly conserved in available vertebrate species. In addition, this alteration is predicted to be neutral by in silico analysis (Choi Y et al. PLoS ONE. 2012; 7(10):e46688). Since supporting evidence is limited at this time, the clinical significance of this alteration remains unclear.

NM_000038.6(APC):c.5153_5155del (p.Ala1718del)

Gene: APC (APC regulator of Wnt signaling pathway; plus strand). Cytogenetic location: 5q22.2.
Variant type: Deletion.
Coding change: c.5153_5155del on transcript NM_000038.6 (MANE Select); coding-DNA positions 5153 to 5155, 3 bases deleted (CAG; older notation c.5153_5155delCAG).
Protein change: p.Ala1718del; deletes alanine 1718.
Molecular consequence: inframe deletion.
Genome position (GRCh38, 1-based): chr5:112,840,747-112,840,749, CAG deleted; deleting any 3 consecutive bases within chr5:112,840,745-112,840,749 gives the same sequence; the c. name uses the placement nearest the transcript's 3' end. VCF-style (leftmost placement, unchanged base first): chr5-112840744-AAGC-A. GRCh37 (hg19) VCF-style: chr5-112176441-AAGC-A.
Other names: c.5153_5155del, p.Ala1718del (NM_001127510.3, NM_001354895.2); c.5099_5101del, p.Ala1700del (NM_001127511.3); c.5207_5209del, p.Ala1736del (NM_001354896.2); c.5183_5185del, p.Ala1728del (NM_001354897.2); c.5078_5080del, p.Ala1693del (NM_001354898.2); c.5069_5071del, p.Ala1690del (NM_001354899.2); c.5030_5032del, p.Ala1677del (NM_001354900.2); c.4976_4978del, p.Ala1659del (NM_001354901.2); and 5 more; short protein forms A1558del, A1690del, A1728del, A1700del, A1435del, A1617del, A1627del, A1659del.
Identifiers: ClinVar variation 825484 (VCV000825484.4), dbSNP rs1580656770, ClinGen allele CA915943498.